The following is an entry in ClinVar:

NM_000143.4(FH):c.91G>A (p.Ala31Thr)

Gene: FH (fumarate hydratase; minus strand). Cytogenetic location: 1q43.
Variant type: single nucleotide variant.
Coding change: c.91G>A on transcript NM_000143.4 (MANE Select); coding-DNA position 91, G replaced by A.
Protein change: p.Ala31Thr; replaces alanine 31 with threonine.
Molecular consequence: missense variant.
Genome position (GRCh38, 1-based): chr1:241,519,632, C>T on the plus strand (G>A on the coding strand, the complement: FH is on the minus strand). VCF-style: chr1-241519632-C-T. GRCh37 (hg19) VCF-style: chr1-241682932-C-T.
Other names: short protein forms A31T.
Identifiers: ClinVar variation 1766171 (VCV001766171.4), dbSNP rs2147926921, ClinGen allele CA345442732.
Genomic context (GRCh38, chr1:241,519,632, plus strand): 5'-GATGGCGGCCTGCGCTCACCATTCGAGCCGCGTTCGGAGGCCAAAACGAGGGCACGGCCG[C>T]GCCACCCAAGCCGGGAGCCGAAGCTAAGGCTGCGGCTGGAGCCCGCACGAGGGGACGCGA-3'
Protein context (NP_000134.2, residues 21-41): ALASAPGLGG[Ala31Thr]AVPSFWPPNA

ClinVar aggregate classification (germline): Uncertain significance (1 of 4 stars; one submission).

Conditions:
Hereditary cancer-predisposing syndrome. Also called: Neoplastic Syndromes, Hereditary; Tumor predisposition; Hereditary Cancer Syndrome; Hereditary neoplastic syndrome. Identifiers: Orphanet 140162, MedGen C0027672, MeSH D009386, MONDO:0015356.

Allele frequency attached by ClinVar (database versions not stated): gnomAD exomes below 0.00001.
gnomAD v4.1: 1 of 1,547,838 alleles (0.000065%); highest among the groups gnomAD compares: Non-Finnish European, 0.000087%; no homozygotes.

Submission:

Ambry Genetics
Classification: Uncertain significance for Hereditary cancer-predisposing syndrome. Last evaluated: 2025-05-03. Review status: criteria provided, single submitter. Criteria: Ambry Variant Classification Scheme 2023. Collection method: clinical testing. Allele origin: germline.
Comment: The p.A31T variant (also known as c.91G>A), located in coding exon 1 of the FH gene, results from a G to A substitution at nucleotide position 91. The alanine at codon 31 is replaced by threonine, an amino acid with similar properties. This amino acid position is not well conserved in available vertebrate species. In addition, this alteration is predicted to be tolerated by in silico analysis. Since supporting evidence is limited at this time, the clinical significance of this alteration remains unclear.